The following is an entry in ClinVar:

NM_015570.4(AUTS2):c.245C>T (p.Ser82Leu)

Gene: AUTS2 (activator of transcription and developmental regulator AUTS2; plus strand). Cytogenetic location: 7q11.22.
Variant type: single nucleotide variant.
Coding change: c.245C>T on transcript NM_015570.4 (MANE Select); coding-DNA position 245, C replaced by T.
Protein change: p.Ser82Leu; replaces serine 82 with leucine.
Molecular consequence: missense variant.
Genome position (GRCh38, 1-based): chr7:69,599,898, C>T. VCF-style: chr7-69599898-C-T. GRCh37 (hg19) VCF-style: chr7-69064884-C-T.
Other names: c.245C>T, p.Ser82Leu (NM_001127231.3, NM_001127232.3); short protein forms S82L.
Identifiers: ClinVar variation 4984859 (VCV004984859.1).

ClinVar aggregate classification (germline): Uncertain significance (1 of 4 stars; one submission).

Conditions:
AUTS2-related disorder. Also called: AUTS2-related condition.

gnomAD v4.1: 3 of 1,613,594 alleles (0.00019%); highest among the groups gnomAD compares: East Asian, 0.0022%; no homozygotes.

Submission:

PreventionGenetics, part of Exact Sciences
Classification: Uncertain significance for AUTS2-related condition. Last evaluated: 2024-11-02. Review status: criteria provided, single submitter. Criteria: ACMG Guidelines, 2015. Collection method: clinical testing. Allele origin: germline.
Comment: The AUTS2 c.245C>T variant is predicted to result in the amino acid substitution p.Ser82Leu. To our knowledge, this variant has not been reported in the literature or in a large population database (gnomAD), indicating this variant is rare. At this time, the clinical significance of this variant is uncertain due to the absence of conclusive functional and genetic evidence.